The following is an entry in ClinVar:

ClinVar aggregate classification (germline): Uncertain significance (1 of 4 stars; one submission).

Conditions:
Capillary malformation-arteriovenous malformation syndrome. Also called: Capillary malformation-arteriovenous malformation. Identifiers: Orphanet 137667, MedGen C1842180, MONDO:0012016.

Submission:

Labcorp Genetics (formerly Invitae), Labcorp
Classification: Uncertain significance for Capillary malformation-arteriovenous malformation syndrome. Last evaluated: 2022-10-24. Review status: criteria provided, single submitter. Criteria: Invitae Variant Classification Sherloc (09022015). Collection method: clinical testing. Allele origin: germline.
Comment: This sequence change replaces arginine, which is basic and polar, with lysine, which is basic and polar, at codon 894 of the RASA1 protein (p.Arg894Lys). In summary, the available evidence is currently insufficient to determine the role of this variant in disease. Therefore, it has been classified as a Variant of Uncertain Significance. Algorithms developed to predict the effect of missense changes on protein structure and function are either unavailable or do not agree on the potential impact of this missense change (SIFT: "Tolerated"; PolyPhen-2: "Possibly Damaging"; Align-GVGD: "Class C0"). This variant has not been reported in the literature in individuals affected with RASA1-related conditions. This variant is not present in population databases (gnomAD no frequency).

NM_002890.3(RASA1):c.2681G>A (p.Arg894Lys)

Genes: CCNH (cyclin H; minus strand), RASA1 (RAS p21 protein activator 1; plus strand). Cytogenetic location: 5q14.3.
Variant type: single nucleotide variant.
Coding change: c.2681G>A on transcript NM_002890.3 (MANE Select); coding-DNA position 2681, G replaced by A.
Protein change: p.Arg894Lys; replaces arginine 894 with lysine.
Molecular consequence: missense variant. On other transcripts: intron variant (1).
Genome position (GRCh38, 1-based): chr5:87,380,586, G>A. VCF-style: chr5-87380586-G-A. GRCh37 (hg19) VCF-style: chr5-86676403-G-A.
Other names: c.2150G>A, p.Arg717Lys (NM_022650.3); c.933+14458C>T (NM_001364075.2); short protein forms R894K, R717K.
Identifiers: ClinVar variation 2080585 (VCV002080585.4), dbSNP rs2531363224, ClinGen allele CA360385061.